The following is an entry in ClinVar:

NM_004380.3(CREBBP):c.973A>T (p.Met325Leu)

Gene: CREBBP (CREB binding protein; minus strand). Cytogenetic location: 16p13.3.
Variant type: single nucleotide variant.
Coding change: c.973A>T on transcript NM_004380.3 (MANE Select); coding-DNA position 973, A replaced by T.
Protein change: p.Met325Leu; replaces methionine 325 with leucine.
Molecular consequence: missense variant.
Genome position (GRCh38, 1-based): chr16:3,810,605, T>A on the plus strand (A>T on the coding strand, the complement: CREBBP is on the minus strand). VCF-style: chr16-3810605-T-A. GRCh37 (hg19) VCF-style: chr16-3860606-T-A.
Other names: c.973A>T, p.Met325Leu (NM_001079846.1); short protein forms M325L.
Identifiers: ClinVar variation 1313007 (VCV001313007.4), dbSNP rs747990896, ClinGen allele CA7870553.
Genomic context (GRCh38, chr16:3,810,605, plus strand): 5'-TCCACAGACCACAGCACCCACCGGAGAGCCATAACACTGAGGGCCAAGGGTAACTTACCA[T>A]ATTTGGCACGTTGGTGACTGAAGTATTCTTGATATCTGTAGGGAAGGTGGGCAAACTGTT-3'
Protein context (NP_004371.2, residues 315-335): KNTSVTNVPN[Met325Leu]SQMQTSVGIV

ClinVar aggregate classification (germline): Conflicting classifications of pathogenicity. Review status: criteria provided, conflicting classifications (1 of 4 stars). 2 submissions from 2 submitters: Uncertain significance (1); Likely benign (1). Last evaluated 2024-08-04.

Conditions:
Inborn genetic diseases. Identifiers: MedGen C0950123, MeSH D030342.

Allele frequency attached by ClinVar (database versions not stated): gnomAD exomes 0.00001; ExAC 0.00002.
gnomAD v4.1: 15 of 1,613,434 alleles (0.00093%); highest among the groups gnomAD compares: Admixed American, 0.0033%; no homozygotes.

Submissions (2):

Ambry Genetics
Classification: Uncertain significance for Inborn genetic diseases. Last evaluated: 2024-08-04. Review status: criteria provided, single submitter. Criteria: Ambry Variant Classification Scheme 2023. Collection method: clinical testing. Allele origin: germline.

GeneDx
Classification: Likely benign. Last evaluated: 2022-08-02. Review status: criteria provided, single submitter. Criteria: GeneDx Variant Classification Process June 2021. Collection method: clinical testing. Allele origin: germline. Affected: yes.
Comment: See Variant Classification Assertion Criteria.